The following is an entry in ClinVar:

ClinVar aggregate classification (germline): Pathogenic/Likely pathogenic. Review status: criteria provided, multiple submitters, no conflicts (2 of 4 stars). 2 submissions from 2 submitters: Pathogenic (1); Likely pathogenic (1). Last evaluated 2026-01-14.

Conditions:
Joubert syndrome. Also called: CEREBELLOPARENCHYMAL DISORDER IV; JOUBERT-BOLTSHAUSER SYNDROME; Familial aplasia of the vermis. Identifiers: Orphanet 475, MedGen C5979921, MONDO:0018772.
Meckel-Gruber syndrome. Also called: DYSENCEPHALIA SPLANCHNOCYSTICA; GRUBER SYNDROME; Dysencephalia splachnocystica. Identifiers: Orphanet 564, MedGen C0265215, MONDO:0018921.
Bardet-Biedl syndrome 14 (BBS14). Identifiers: Orphanet 110, MedGen C2673874, MONDO:0014442, OMIM 615991.
Nephronophthisis 11 (NPHP11). Identifiers: Orphanet 84081, MedGen C3150796, MONDO:0013302, OMIM 613550.
COACH syndrome 1. Identifiers: Orphanet 1454, MedGen C5435651, MONDO:0800103, OMIM 216360, MONDO:0008996.
Joubert syndrome 6 (JBTS6). Identifiers: Orphanet 475, MedGen C1853153, MONDO:0012539, OMIM 610688.
Meckel syndrome, type 3 (MKS3). Also called: MECKEL-GRUBER SYNDROME, TYPE 3. Identifiers: Orphanet 564, MedGen C1846357, MONDO:0011821, OMIM 607361.
RHYNS syndrome. Also called: RETINITIS PIGMENTOSA SYNDROME; RETINITIS PIGMENTOSA, HYPOPITUITARISM, NEPHRONOPHTHISIS, AND MILD SKELETAL DYSPLASIA. Identifiers: Orphanet 140976, MedGen C1865794, MONDO:0011202, OMIM 602152.

Allele frequency attached by ClinVar (database versions not stated): TOPMed 0.00001; gnomAD 0.00002.
gnomAD v4.1: 29 of 1,611,344 alleles (0.0018%); highest among the groups gnomAD compares: Non-Finnish European, 0.0024%; no homozygotes.

Submissions (2):

Labcorp Genetics (formerly Invitae), Labcorp
Classification: Pathogenic for Joubert syndrome; Meckel-Gruber syndrome. Last evaluated: 2026-01-14. Review status: criteria provided, single submitter. Criteria: Invitae Variant Classification Sherloc (09022015). Collection method: clinical testing. Allele origin: germline.
Comment: This sequence change creates a premature translational stop signal (p.Gln841*) in the TMEM67 gene. It is expected to result in an absent or disrupted protein product. Loss-of-function variants in TMEM67 are known to be pathogenic (PMID: 20232449, 23559409). This variant is present in population databases (no rsID available, gnomAD 0.002%). This variant has not been reported in the literature in individuals affected with TMEM67-related conditions. ClinVar contains an entry for this variant (Variation ID: 2178475). Algorithms developed to predict the effect of sequence changes on RNA splicing suggest that this variant may disrupt the consensus splice site. For these reasons, this variant has been classified as Pathogenic.

Fulgent Genetics
Classification: Likely pathogenic for COACH syndrome 1; RHYNS syndrome; Meckel syndrome, type 3; Joubert syndrome 6; Nephronophthisis 11; Bardet-Biedl syndrome 14. Last evaluated: 2024-06-19. Review status: criteria provided, single submitter. Criteria: ACMG Guidelines, 2015. Collection method: clinical testing. Allele origin: germline.

Literature cited by the submitters: PubMed 20232449 (cited by Labcorp Genetics (formerly Invitae), Labcorp); PubMed 23559409 (cited by Labcorp Genetics (formerly Invitae), Labcorp).

NM_153704.6(TMEM67):c.2521C>T (p.Gln841Ter)

Gene: TMEM67 (transmembrane protein 67; plus strand). Cytogenetic location: 8q22.1.
Variant type: single nucleotide variant.
Coding change: c.2521C>T on transcript NM_153704.6 (MANE Select); coding-DNA position 2521, C replaced by T.
Protein change: p.Gln841Ter; replaces glutamine 841 with a stop codon.
Molecular consequence: nonsense. On other transcripts: non-coding transcript variant (1).
Genome position (GRCh38, 1-based): chr8:93,808,921, C>T. VCF-style: chr8-93808921-C-T. GRCh37 (hg19) VCF-style: chr8-94821149-C-T.
Other names: c.2278C>T, p.Gln760Ter (NM_001142301.1); short protein forms Q841*, Q760*.
Identifiers: ClinVar variation 2178475 (VCV002178475.5), dbSNP rs371452453, ClinGen allele CA371699077.
Genomic context (GRCh38, chr8:93,808,921, plus strand): 5'-GGTTTGGTACCCAACACAGATGGTCAGACTTTTGAGATTGCAATTTCTAACCAGATGAGA[C>T]AACATTATGACAGAATTCATGAGACACTAATAAGGGTTTGTATAAAGTACAGTTCAGATA-3'